The following is an entry in ClinVar:

NM_181507.2(HPS5):c.403A>G (p.Ile135Val)

Gene: HPS5 (HPS5 biogenesis of lysosomal organelles complex 2 subunit 2; minus strand). Cytogenetic location: 11p15.1.
Variant type: single nucleotide variant.
Coding change: c.403A>G on transcript NM_181507.2 (MANE Select); coding-DNA position 403, A replaced by G.
Protein change: p.Ile135Val; replaces isoleucine 135 with valine.
Molecular consequence: missense variant.
Genome position (GRCh38, 1-based): chr11:18,310,815, T>C on the plus strand (A>G on the coding strand, the complement: HPS5 is on the minus strand). VCF-style: chr11-18310815-T-C. GRCh37 (hg19) VCF-style: chr11-18332362-T-C.
Other names: c.61A>G, p.Ile21Val (NM_007216.4, NM_181508.2); short protein forms I135V, I21V.
Identifiers: ClinVar variation 1427464 (VCV001427464.10), dbSNP rs145406547, ClinGen allele CA5910442.

ClinVar aggregate classification (germline): Uncertain significance. Review status: criteria provided, multiple submitters, no conflicts (2 of 4 stars). 3 submissions from 3 submitters: Uncertain significance (3). Last evaluated 2024-04-05.

Conditions:
Inborn genetic diseases. Identifiers: MedGen C0950123, MeSH D030342.

Allele frequency attached by ClinVar (database versions not stated): gnomAD 0.00003 and 0.00004; gnomAD exomes 0.00004 and 0.00008; TOPMed 0.00004; ExAC 0.00010; ESP Exome Variant Server 0.00015.
gnomAD v4.1: 70 of 1,613,992 alleles (0.0043%); highest among the groups gnomAD compares: East Asian, 0.024%; no homozygotes.

Submissions (3):

Blueprint Genetics
Classification: Uncertain significance. Last evaluated: 2024-04-05. Review status: criteria provided, single submitter. Criteria: ACMG Guidelines, 2015. Collection method: clinical testing. Allele origin: germline.

Ambry Genetics
Classification: Uncertain significance for Inborn genetic diseases. Last evaluated: 2024-01-29. Review status: criteria provided, single submitter. Criteria: Ambry Variant Classification Scheme 2023. Collection method: clinical testing. Allele origin: germline.

Labcorp Genetics (formerly Invitae), Labcorp
Classification: Uncertain significance. Last evaluated: 2022-06-13. Review status: criteria provided, single submitter. Criteria: Invitae Variant Classification Sherloc (09022015). Collection method: clinical testing. Allele origin: germline.
Comment: This sequence change replaces isoleucine, which is neutral and non-polar, with valine, which is neutral and non-polar, at codon 135 of the HPS5 protein (p.Ile135Val). The frequency data for this variant in the population databases is considered unreliable, as metrics indicate poor data quality at this position in the gnomAD database. This variant has not been reported in the literature in individuals affected with HPS5-related conditions. Algorithms developed to predict the effect of missense changes on protein structure and function output the following: SIFT: "Tolerated"; PolyPhen-2: "Benign"; Align-GVGD: "Class C0". The valine amino acid residue is found in multiple mammalian species, which suggests that this missense change does not adversely affect protein function. In summary, the available evidence is currently insufficient to determine the role of this variant in disease. Therefore, it has been classified as a Variant of Uncertain Significance.